The following is an entry in ClinVar:

ClinVar aggregate classification (germline): Likely pathogenic. Review status: criteria provided, multiple submitters, no conflicts (2 of 4 stars). 2 submissions from 2 submitters: Likely pathogenic (2). Last evaluated 2025-10-28.

Conditions:
Ehlers-Danlos syndrome, type 4 (EDSVASC). Also called: Ehlers-Danlos syndrome vascular type; Ehlers Danlos syndrome, ecchymotic type; Ehlers Danlos syndrome, arterial type; Ehlers Danlos syndrome, Sack-Barabas type; Ehlers-Danlos Syndrome Type IV. Identifiers: Orphanet 286, MedGen C0268338, MONDO:0017314, OMIM 130050.

Submissions (2):

Women's Health and Genetics/Laboratory Corporation of America, LabCorp
Classification: Likely pathogenic for Ehlers-Danlos syndrome, type 4. Last evaluated: 2025-10-28. Review status: criteria provided, single submitter. Criteria: LabCorp Variant Classification Summary - May 2015. Collection method: clinical testing. Allele origin: germline.
Comment: Variant summary: COL3A1 c.2500G>C (p.Gly834Arg) results in a non-conservative amino acid change in the encoded protein sequence. This variant disrupts the triple helix domain of COL3A1. Glycine residues within the Gly-Xaa-Yaa repeats of the triple helix domain are required for the structure and stability of fibrillar collagens (PMID: 7695699, 8218237, 19344236). Algorithms developed to predict the effect of missense changes on protein structure and function all suggest that this variant is likely to be disruptive. The variant was absent in 156634 control chromosomes. To our knowledge, no occurrence of c.2500G>C in individuals affected with COL3A1-related conditions and no experimental evidence demonstrating its impact on protein function have been reported. ClinVar contains an entry for this variant (Variation ID: 1339754). Based on the evidence outlined above, the variant was classified as likely pathogenic.

Labcorp Genetics (formerly Invitae), Labcorp
Classification: Likely pathogenic for Ehlers-Danlos syndrome, type 4. Last evaluated: 2022-03-12. Review status: criteria provided, single submitter. Criteria: Invitae Variant Classification Sherloc (09022015). Collection method: clinical testing. Allele origin: germline.
Comment: This variant has not been reported in the literature in individuals affected with COL3A1-related conditions. This variant is not present in population databases (gnomAD no frequency). This sequence change replaces glycine, which is neutral and non-polar, with arginine, which is basic and polar, at codon 834 of the COL3A1 protein (p.Gly834Arg). In summary, the currently available evidence indicates that the variant is pathogenic, but additional data are needed to prove that conclusively. Therefore, this variant has been classified as Likely Pathogenic. This variant disrupts the triple helix domain of COL3A1. Glycine residues within the Gly-Xaa-Yaa repeats of the triple helix domain are required for the structure and stability of fibrillar collagens (PMID: 7695699, 8218237, 19344236). In COL3A1, variants that affect these glycine residues are significantly enriched in individuals with disease (PMID: 24922459, 25758994) compared to the general population (ExAC). Advanced modeling of protein sequence and biophysical properties (such as structural, functional, and spatial information, amino acid conservation, physicochemical variation, residue mobility, and thermodynamic stability) performed at Invitae indicates that this missense variant is expected to disrupt COL3A1 protein function.

Literature cited by the submitters: PubMed 7695699 (cited by Labcorp Genetics (formerly Invitae), Labcorp); PubMed 8218237 (cited by Labcorp Genetics (formerly Invitae), Labcorp); PubMed 19344236 (cited by Labcorp Genetics (formerly Invitae), Labcorp); PubMed 24922459 (cited by Labcorp Genetics (formerly Invitae), Labcorp); PubMed 25758994 (cited by Labcorp Genetics (formerly Invitae), Labcorp).

NM_000090.4(COL3A1):c.2500G>C (p.Gly834Arg)

Gene: COL3A1 (collagen type III alpha 1 chain; plus strand). Cytogenetic location: 2q32.2.
Variant type: single nucleotide variant.
Coding change: c.2500G>C on transcript NM_000090.4 (MANE Select); coding-DNA position 2500, G replaced by C.
Protein change: p.Gly834Arg; replaces glycine 834 with arginine.
Molecular consequence: missense variant.
Genome position (GRCh38, 1-based): chr2:189,003,009, G>C. VCF-style: chr2-189003009-G-C. GRCh37 (hg19) VCF-style: chr2-189867735-G-C.
Other names: short protein forms G834R.
Identifiers: ClinVar variation 1339754 (VCV001339754.7), dbSNP rs2153503381, ClinGen allele CA349842808.